The following is an entry in ClinVar:

NM_016222.4(DDX41):c.935+4A>T

Gene: DDX41 (DEAD-box helicase 41; minus strand). Cytogenetic location: 5q35.3.
Variant type: single nucleotide variant.
Coding change: c.935+4A>T on transcript NM_016222.4 (MANE Select); 4 bases into the intron after coding-DNA position 935, A replaced by T.
Molecular consequence: intron variant.
Genome position (GRCh38, 1-based): chr5:177,514,697, T>A on the plus strand (A>T on the coding strand, the complement: DDX41 is on the minus strand). VCF-style: chr5-177514697-T-A. GRCh37 (hg19) VCF-style: chr5-176941698-T-A.
Other names: c.557+4A>T (NM_001321830.2, NM_001321732.2); c.935+4A>T (NM_016222.2).
Identifiers: ClinVar variation 2500215 (VCV002500215.5), dbSNP rs1391902763, ClinGen allele CA564900873.

ClinVar aggregate classification (germline): Uncertain significance. Review status: criteria provided, multiple submitters, no conflicts (2 of 4 stars). 3 submissions from 3 submitters: Uncertain significance (2). 1 of the submissions does not count toward it. Last evaluated 2024-12-17.

Conditions:
DDX41-related hematologic malignancy predisposition syndrome. Also called: DDX41-Associated Familial Myelodysplastic Syndrome and Acute Myeloid Leukemia; Myeloproliferative/lymphoproliferative neoplasms, familial (multiple types), susceptibility to. Identifiers: Orphanet 488647, MedGen C4225174, MONDO:0014809, OMIM 616871.
Inborn genetic diseases. Identifiers: MedGen C0950123, MeSH D030342.

Allele frequency attached by ClinVar (database versions not stated): gnomAD exomes below 0.00001.

Submissions (3):

Ambry Genetics
Classification: Uncertain significance for Inborn genetic diseases. Last evaluated: 2024-12-17. Review status: criteria provided, single submitter. Criteria: Ambry Variant Classification Scheme 2023. Collection method: clinical testing. Allele origin: germline.
Comment: The c.935+4A>T intronic variant results from an A to T substitution 4 nucleotides after coding exon 9 in the DDX41 gene. This alteration has been observed in individuals with myeloid neoplasms (Qu S et al. Br J Haematol, 2021 Mar;192:1006-1010). This nucleotide position is well conserved in available vertebrate species. In silico splice site analysis predicts that this alteration will weaken the native splice donor site and may result in the creation or strengthening of a novel splice donor site; however, direct evidence is insufficient at this time (Ambry internal data). Based on the available evidence, the clinical significance of this variant remains unclear.

Labcorp Genetics (formerly Invitae), Labcorp
Classification: Uncertain significance. Last evaluated: 2024-10-28. Review status: criteria provided, single submitter. Criteria: Invitae Variant Classification Sherloc (09022015). Collection method: clinical testing. Allele origin: germline.
Comment: This sequence change falls in intron 9 of the DDX41 gene. It does not directly change the encoded amino acid sequence of the DDX41 protein. It affects a nucleotide within the consensus splice site. This variant is present in population databases (no rsID available, gnomAD 0.006%). This variant has been observed in individual(s) with DDX41-related conditions (PMID: 35671390). ClinVar contains an entry for this variant (Variation ID: 2500215). Variants that disrupt the consensus splice site are a relatively common cause of aberrant splicing (PMID: 17576681, 9536098). Algorithms developed to predict the effect of sequence changes on RNA splicing suggest that this variant may disrupt the consensus splice site. In summary, the available evidence is currently insufficient to determine the role of this variant in disease. Therefore, it has been classified as a Variant of Uncertain Significance.

Clinical Genomics Labs, University Health Network
Classification: Pathogenic for DDX41-related hematologic malignancy predisposition syndrome. Last evaluated: 2019-12-18. Review status: no assertion criteria provided. Criteria: ACMG Guidelines, 2015. Collection method: clinical testing. Allele origin: germline. Affected: yes. Not counted in ClinVar's aggregate classification.

Literature cited by the submitters: PubMed 32307695 (cited by Ambry Genetics); PubMed 35671390 (cited by Labcorp Genetics (formerly Invitae), Labcorp); PubMed 17576681 (cited by Labcorp Genetics (formerly Invitae), Labcorp); PubMed 9536098 (cited by Labcorp Genetics (formerly Invitae), Labcorp).